The following is an entry in ClinVar:

NM_000059.4(BRCA2):c.3385_3386del (p.Gln1129fs)

Gene: BRCA2 (BRCA2 DNA repair associated; plus strand). Cytogenetic location: 13q13.1.
Variant type: Deletion.
Coding change: c.3385_3386del on transcript NM_000059.4 (MANE Select); coding-DNA positions 3385 to 3386, 2 bases deleted (CA; older notation c.3385_3386delCA).
Protein change: p.Gln1129fs; shifts the reading frame from glutamine 1129.
Molecular consequence: frameshift variant.
Genome position (GRCh38, 1-based): chr13:32,337,740-32,337,741, CA deleted. VCF-style (leftmost placement, unchanged base first): chr13-32337739-TCA-T. GRCh37 (hg19) VCF-style: chr13-32911876-TCA-T.
Other names: c.3385_3386delCA, p.Gln1129Valfs (NM_001406719.1, NM_001406720.1); short protein forms Q1129fs.
Identifiers: ClinVar variation 1730846 (VCV001730846.6), dbSNP rs2548525823, ClinGen allele CA2580087069.

ClinVar aggregate classification (germline): Pathogenic. Review status: criteria provided, multiple submitters, no conflicts (2 of 4 stars). 3 submissions from 3 submitters: Pathogenic (3). Last evaluated 2023-06-02.

Conditions:
Breast-ovarian cancer, familial, susceptibility to, 2 (BROVCA2). Also called: BRCA2 Hereditary Breast and Ovarian Cancer. Identifiers: Orphanet 145, MedGen C2675520, MONDO:0012933, OMIM 612555. Disease mechanism: loss of function.
Hereditary cancer-predisposing syndrome. Also called: Neoplastic Syndromes, Hereditary; Tumor predisposition; Hereditary Cancer Syndrome; Hereditary neoplastic syndrome. Identifiers: Orphanet 140162, MedGen C0027672, MeSH D009386, MONDO:0015356.

Submissions (3):

Myriad Genetics, Inc.
Classification: Pathogenic for Breast-ovarian cancer, familial, susceptibility to, 2. Last evaluated: 2023-06-02. Review status: criteria provided, single submitter. Criteria: Myriad Autosomal Dominant, Autosomal Recessive and X-Linked Classification Criteria (2023). Collection method: clinical testing. Allele origin: unknown.
Comment: This variant is considered pathogenic. This variant creates a frameshift predicted to result in premature protein truncation.

Color Diagnostics, LLC DBA Color Health
Classification: Pathogenic for Hereditary cancer-predisposing syndrome. Last evaluated: 2022-03-21. Review status: criteria provided, single submitter. Criteria: ACMG Guidelines, 2015. Collection method: clinical testing. Allele origin: germline.
Comment: This variant deletes 2 nucleotides in exon 11 of the BRCA2 gene, creating a frameshift and premature translation stop signal. This variant is expected to result in an absent or non-functional protein product. To our knowledge, this variant has not been reported in individuals affected with hereditary cancer in the literature. This variant has not been identified in the general population by the Genome Aggregation Database (gnomAD). Loss of BRCA2 function is a known mechanism of disease. Based on the available evidence, this variant is classified as Pathogenic.

Ambry Genetics
Classification: Pathogenic for Hereditary cancer-predisposing syndrome. Last evaluated: 2021-12-15. Review status: criteria provided, single submitter. Criteria: Ambry Variant Classification Scheme 2023. Collection method: clinical testing. Allele origin: germline.
Comment: The c.3385_3386delCA pathogenic mutation, located in coding exon 10 of the BRCA2 gene, results from a deletion of two nucleotides at nucleotide positions 3385 to 3386, causing a translational frameshift with a predicted alternate stop codon (p.Q1129Vfs*2). This variant is considered to be rare based on population cohorts in the Genome Aggregation Database (gnomAD). This alteration is expected to result in loss of function by premature protein truncation or nonsense-mediated mRNA decay. As such, this alteration is interpreted as a disease-causing mutation.